The following is an entry in ClinVar:

NM_000061.3(BTK):c.1725C>A (p.Ser575Arg)

Gene: BTK (Bruton tyrosine kinase; minus strand). Cytogenetic location: Xq22.1.
Variant type: single nucleotide variant.
Coding change: c.1725C>A on transcript NM_000061.3 (MANE Select); coding-DNA position 1725, C replaced by A.
Protein change: p.Ser575Arg; replaces serine 575 with arginine.
Molecular consequence: missense variant.
Genome position (GRCh38, 1-based): chrX:101,353,895, G>T on the plus strand (C>A on the coding strand, the complement: BTK is on the minus strand). VCF-style: chrX-101353895-G-T. GRCh37 (hg19) VCF-style: chrX-100608883-G-T.
Other names: c.1827C>A, p.Ser609Arg (NM_001287344.2); c.1197C>A, p.Ser399Arg (NM_001287345.2); short protein forms S575R, S609R, S399R.
Identifiers: ClinVar variation 2138641 (VCV002138641.4), dbSNP rs2520533445, ClinGen allele CA413920171.

ClinVar aggregate classification (germline): Pathogenic (1 of 4 stars; one submission).

Conditions:
X-linked agammaglobulinemia with growth hormone deficiency (IGHD3). Also called: FLEISHER SYNDROME; HYPOGAMMAGLOBULINEMIA AND ISOLATED GROWTH HORMONE DEFICIENCY, X-LINKED; IGHD III; AGAMMAGLOBULINEMIA AND ISOLATED GROWTH HORMONE DEFICIENCY, X-LINKED; Isolated growth hormone deficiency type 3; Growth hormone deficiency with hypogammaglobulinemia. Identifiers: Orphanet 231692, Orphanet 631, MedGen C0472813, MONDO:0010615, OMIM 307200.

Submission:

Labcorp Genetics (formerly Invitae), Labcorp
Classification: Pathogenic for X-linked agammaglobulinemia with growth hormone deficiency. Last evaluated: 2022-02-20. Review status: criteria provided, single submitter. Criteria: Invitae Variant Classification Sherloc (09022015). Collection method: clinical testing. Allele origin: germline.
Comment: This variant disrupts the p.Ser575 amino acid residue in BTK. Other variant(s) that disrupt this residue have been observed in individuals with BTK-related conditions (PMID: 15661032), which suggests that this may be a clinically significant amino acid residue. Advanced modeling of protein sequence and biophysical properties (such as structural, functional, and spatial information, amino acid conservation, physicochemical variation, residue mobility, and thermodynamic stability) performed at Invitae indicates that this missense variant is expected to disrupt BTK protein function. This missense change has been observed in individual(s) with agammaglobulinemia (PMID: 16159644). It has also been observed to segregate with disease in related individuals. This variant is not present in population databases (gnomAD no frequency). This sequence change replaces serine, which is neutral and polar, with arginine, which is basic and polar, at codon 575 of the BTK protein (p.Ser575Arg). For these reasons, this variant has been classified as Pathogenic.

Literature cited by the submitters: PubMed 15661032; PubMed 16159644.